The following is an entry in ClinVar:

NM_014915.3(ANKRD26):c.1362A>C (p.Glu454Asp)

Gene: ANKRD26 (ankyrin repeat domain 26; minus strand). Cytogenetic location: 10p12.1.
Variant type: single nucleotide variant.
Coding change: c.1362A>C on transcript NM_014915.3 (MANE Select); coding-DNA position 1362, A replaced by C.
Protein change: p.Glu454Asp; replaces glutamic acid 454 with aspartic acid.
Molecular consequence: missense variant.
Genome position (GRCh38, 1-based): chr10:27,063,989, T>G on the plus strand (A>C on the coding strand, the complement: ANKRD26 is on the minus strand). VCF-style: chr10-27063989-T-G. GRCh37 (hg19) VCF-style: chr10-27352918-T-G.
Other names: c.1362A>C, p.Glu454Asp (NM_001256053.2); short protein forms E454D.
Identifiers: ClinVar variation 1801914 (VCV001801914.9), dbSNP rs201540032, ClinGen allele CA5448586.
Genomic context (GRCh38, chr10:27,063,989, plus strand): 5'-CATGTTTTTAAATAAACACTCTGTCCAATGGCTTTTTAAAAATGAAATATAGCTCTTACC[T>G]TCTGCTTGTTCATTTCCTATATTTTTTTCTTTTCCGTCTGCAGCCCCAGCTAAAGGATCA-3'
Protein context (NP_055730.2, residues 444-464): KEKNIGNEQA[Glu454Asp]DVFYIPSCMS

ClinVar aggregate classification (germline): Conflicting classifications of pathogenicity. Review status: criteria provided, conflicting classifications (1 of 4 stars). 5 submissions from 5 submitters: Uncertain significance (4); Likely benign (1). Last evaluated 2026-01-24.

Conditions:
Inborn genetic diseases. Identifiers: MedGen C0950123, MeSH D030342.

Allele frequency attached by ClinVar (database versions not stated): TOPMed 0.00002; ExAC 0.00003; gnomAD 0.00003; gnomAD exomes 0.00003.
gnomAD v4.1: 49 of 1,602,356 alleles (0.0031%); highest among the groups gnomAD compares: Non-Finnish European, 0.0038%; no homozygotes.

Submissions (5):

Labcorp Genetics (formerly Invitae), Labcorp
Classification: Uncertain significance. Last evaluated: 2026-01-24. Review status: criteria provided, single submitter. Criteria: Invitae Variant Classification Sherloc (09022015). Collection method: clinical testing. Allele origin: germline.
Comment: This sequence change replaces glutamic acid, which is acidic and polar, with aspartic acid, which is acidic and polar, at codon 454 of the ANKRD26 protein (p.Glu454Asp). This variant is present in population databases (rs201540032, gnomAD 0.005%). This variant has not been reported in the literature in individuals affected with ANKRD26-related conditions. ClinVar contains an entry for this variant (Variation ID: 1801914). An algorithm developed to predict the effect of missense changes on protein structure and function outputs the following: PolyPhen-2: "Benign". The aspartic acid amino acid residue is found in multiple mammalian species, which suggests that this missense change does not adversely affect protein function. In summary, the available evidence is currently insufficient to determine the role of this variant in disease. Therefore, it has been classified as a Variant of Uncertain Significance.

Ambry Genetics
Classification: Uncertain significance for Inborn genetic diseases. Last evaluated: 2024-11-23. Review status: criteria provided, single submitter. Criteria: Ambry Variant Classification Scheme 2023. Collection method: clinical testing. Allele origin: germline.

Blueprint Genetics
Classification: Likely benign. Last evaluated: 2023-03-13. Review status: criteria provided, single submitter. Criteria: ACMG Guidelines, 2015. Collection method: clinical testing. Allele origin: germline.

GeneDx
Classification: Uncertain significance. Last evaluated: 2022-06-03. Review status: criteria provided, single submitter. Criteria: GeneDx Variant Classification Process June 2021. Collection method: clinical testing. Allele origin: germline. Affected: yes.
Comment: Not observed at significant frequency in large population cohorts (gnomAD); In silico analysis supports that this missense variant does not alter protein structure/function; Has not been previously published as pathogenic or benign to our knowledge

Revvity Omics, Revvity
Classification: Uncertain significance. Last evaluated: 2021-04-16. Review status: criteria provided, single submitter. Criteria: ACMG Guidelines, 2015. Collection method: clinical testing. Allele origin: germline.